The following is an entry in ClinVar:

ClinVar aggregate classification (germline): Pathogenic (1 of 4 stars; one submission).

Conditions:
Dyskeratosis congenita. Identifiers: Orphanet 1775, MedGen C0265965, MONDO:0015780.

Submission:

Labcorp Genetics (formerly Invitae), Labcorp
Classification: Pathogenic for Dyskeratosis congenita. Last evaluated: 2022-08-30. Review status: criteria provided, single submitter. Criteria: Invitae Variant Classification Sherloc (09022015). Collection method: clinical testing. Allele origin: germline.
Comment: For these reasons, this variant has been classified as Pathogenic. This variant has not been reported in the literature in individuals affected with CTC1-related conditions. This variant is a gross deletion of the genomic region encompassing exon(s) 2 of the CTC1 gene. This deletion is out-of-frame, and is expected to create a premature termination codon and result in an absent or disrupted protein product. Loss-of-function variants in CTC1 are known to be pathogenic (PMID: 22267198, 22387016).

Literature cited by the submitters: PubMed 22267198; PubMed 22387016.

NC_000017.10:g.(?_8146283)_(8146486_?)del

Gene: CTC1 (CST telomere replication complex component 1; minus strand). Cytogenetic location: 17p13.1.
Variant type: Deletion.
Identifiers: ClinVar variation 2426910 (VCV002426910.3).